The following is an entry in ClinVar:

ClinVar aggregate classification (germline): Uncertain significance. Review status: criteria provided, multiple submitters, no conflicts (2 of 4 stars). 3 submissions from 3 submitters: Uncertain significance (3). Last evaluated 2024-06-12.

Conditions:
Familial sleep-related hypermotor epilepsy. Also called: Autosomal Dominant Sleep-Related Hypermotor (Hyperkinetic) Epilepsy. Identifiers: Orphanet 98784, MedGen C3696898, MONDO:0000030.

Allele frequency attached by ClinVar (database versions not stated): TOPMed below 0.00001; gnomAD exomes 0.00001.

Submissions (3):

Labcorp Genetics (formerly Invitae), Labcorp
Classification: Uncertain significance. Last evaluated: 2024-06-12. Review status: criteria provided, single submitter. Criteria: Invitae Variant Classification Sherloc (09022015). Collection method: clinical testing. Allele origin: germline.
Comment: This sequence change replaces leucine, which is neutral and non-polar, with proline, which is neutral and non-polar, at codon 361 of the CHRNB2 protein (p.Leu361Pro). The frequency data for this variant in the population databases is considered unreliable, as metrics indicate poor data quality at this position in the gnomAD database. This variant has not been reported in the literature in individuals affected with CHRNB2-related conditions. ClinVar contains an entry for this variant (Variation ID: 1477088). Advanced modeling of protein sequence and biophysical properties (such as structural, functional, and spatial information, amino acid conservation, physicochemical variation, residue mobility, and thermodynamic stability) performed at Invitae indicates that this missense variant is not expected to disrupt CHRNB2 protein function with a negative predictive value of 80%. In summary, the available evidence is currently insufficient to determine the role of this variant in disease. Therefore, it has been classified as a Variant of Uncertain Significance.

Blueprint Genetics
Classification: Uncertain significance. Last evaluated: 2023-06-26. Review status: criteria provided, single submitter. Criteria: ACMG Guidelines, 2015. Collection method: clinical testing. Allele origin: germline.

GeneDx
Classification: Uncertain significance. Last evaluated: 2023-01-05. Review status: criteria provided, single submitter. Criteria: GeneDx Variant Classification Process June 2021. Collection method: clinical testing. Allele origin: germline. Affected: yes.
Comment: Not observed at significant frequency in large population cohorts (gnomAD); In silico analysis supports that this missense variant does not alter protein structure/function; Has not been previously published as pathogenic or benign to our knowledge

NM_000748.3(CHRNB2):c.1082T>C (p.Leu361Pro)

Gene: CHRNB2 (cholinergic receptor nicotinic beta 2 subunit; plus strand). Cytogenetic location: 1q21.3.
Variant type: single nucleotide variant.
Coding change: c.1082T>C on transcript NM_000748.3 (MANE Select); coding-DNA position 1082, T replaced by C.
Protein change: p.Leu361Pro; replaces leucine 361 with proline.
Molecular consequence: missense variant.
Genome position (GRCh38, 1-based): chr1:154,571,905, T>C. VCF-style: chr1-154571905-T-C. GRCh37 (hg19) VCF-style: chr1-154544381-T-C.
Other names: c.1082T>C (NM_000748.2); short protein forms L361P.
Identifiers: ClinVar variation 1477088 (VCV001477088.8), dbSNP rs1226774233, ClinGen allele CA342631451.